The following is an entry in ClinVar:

NM_000135.4(FANCA):c.881T>C (p.Ile294Thr)

Gene: FANCA (FA complementation group A; minus strand). Cytogenetic location: 16q24.3.
Variant type: single nucleotide variant.
Coding change: c.881T>C on transcript NM_000135.4 (MANE Select); coding-DNA position 881, T replaced by C.
Protein change: p.Ile294Thr; replaces isoleucine 294 with threonine.
Molecular consequence: missense variant.
Genome position (GRCh38, 1-based): chr16:89,799,178, A>G on the plus strand (T>C on the coding strand, the complement: FANCA is on the minus strand). VCF-style: chr16-89799178-A-G. GRCh37 (hg19) VCF-style: chr16-89865586-A-G.
Other names: c.881T>C (LRG_495t1); c.881T>C, p.Ile294Thr (NM_001018112.3, NM_001286167.3); c.785T>C, p.Ile262Thr (NM_001351830.2); short protein forms I294T, I262T.
Identifiers: ClinVar variation 456140 (VCV000456140.9), dbSNP rs1555566545, ClinGen allele CA397472827.

ClinVar aggregate classification (germline): Conflicting classifications of pathogenicity. Review status: criteria provided, conflicting classifications (1 of 4 stars). 2 submissions from 2 submitters: Uncertain significance (1); Likely benign (1). Last evaluated 2025-02-24.

Conditions:
Inborn genetic diseases. Identifiers: MedGen C0950123, MeSH D030342.
Fanconi anemia (FA). Also called: Fanconi's anemia. Identifiers: Orphanet 84, MedGen C0015625, MeSH D005199, MONDO:0019391.

Allele frequency attached by ClinVar (database versions not stated): gnomAD exomes below 0.00001.
gnomAD v4.1: 2 of 1,614,136 alleles (0.00012%); highest among the groups gnomAD compares: Non-Finnish European, 0.00017%; no homozygotes.

Submissions (2):

Ambry Genetics
Classification: Likely benign for Inborn genetic diseases. Last evaluated: 2025-02-24. Review status: criteria provided, single submitter. Criteria: Ambry Variant Classification Scheme 2023. Collection method: clinical testing. Allele origin: germline.

Labcorp Genetics (formerly Invitae), Labcorp
Classification: Uncertain significance for Fanconi anemia. Last evaluated: 2024-03-20. Review status: criteria provided, single submitter. Criteria: Invitae Variant Classification Sherloc (09022015). Collection method: clinical testing. Allele origin: germline.
Comment: This sequence change replaces isoleucine, which is neutral and non-polar, with threonine, which is neutral and polar, at codon 294 of the FANCA protein (p.Ile294Thr). This variant is not present in population databases (gnomAD no frequency). This variant has not been reported in the literature in individuals affected with FANCA-related conditions. ClinVar contains an entry for this variant (Variation ID: 456140). Advanced modeling of protein sequence and biophysical properties (such as structural, functional, and spatial information, amino acid conservation, physicochemical variation, residue mobility, and thermodynamic stability) performed at Invitae indicates that this missense variant is not expected to disrupt FANCA protein function with a negative predictive value of 80%. In summary, the available evidence is currently insufficient to determine the role of this variant in disease. Therefore, it has been classified as a Variant of Uncertain Significance.